The following is an entry in ClinVar:

NM_001001671.4(MAP3K15):c.1379A>G (p.His460Arg)

Gene: MAP3K15 (mitogen-activated protein kinase kinase kinase 15; minus strand). Cytogenetic location: Xp22.12.
Variant type: single nucleotide variant.
Coding change: c.1379A>G on transcript NM_001001671.4 (MANE Select); coding-DNA position 1379, A replaced by G.
Protein change: p.His460Arg; replaces histidine 460 with arginine.
Molecular consequence: missense variant.
Genome position (GRCh38, 1-based): chrX:19,425,591, T>C on the plus strand (A>G on the coding strand, the complement: MAP3K15 is on the minus strand). VCF-style: chrX-19425591-T-C. GRCh37 (hg19) VCF-style: chrX-19443709-T-C.
Other names: short protein forms H460R.
Identifiers: ClinVar variation 4839483 (VCV004839483.1).

ClinVar aggregate classification (germline): Uncertain significance (1 of 4 stars; one submission).

gnomAD v4.1: 5 of 1,197,938 alleles (0.00042%); highest among the groups gnomAD compares: South Asian, 0.0088%; no homozygotes.

Submission:

Ambry Genetics
Classification: Uncertain significance. Last evaluated: 2026-01-21. Review status: criteria provided, single submitter. Criteria: Ambry Variant Classification Scheme 2023. Collection method: clinical testing. Allele origin: germline.
Comment: The c.1379A>G (p.H460R) alteration is located in exon 9 (coding exon 9) of the MAP3K15 gene. This alteration results from a A to G substitution at nucleotide position 1379, causing the histidine (H) at amino acid position 460 to be replaced by an arginine (R). Based on data from gnomAD, the G allele has an overall frequency of 0.001% (1/168270) total alleles studied. The highest observed frequency was 0.006% (1/18233) of South Asian alleles. Based on insufficient or conflicting evidence, the clinical significance of this alteration remains unclear.